The following is an entry in ClinVar:

ClinVar aggregate classification (germline): Uncertain significance (1 of 4 stars; one submission).

Allele frequency attached by ClinVar (database versions not stated): TOPMed 0.00001; ExAC 0.00002; ESP Exome Variant Server 0.00015; gnomAD exomes below 0.00001; gnomAD 0.00001.
gnomAD v4.1: 7 of 1,614,080 alleles (0.00043%); highest among the groups gnomAD compares: Non-Finnish European, 0.00059%; no homozygotes.

Submission:

Labcorp Genetics (formerly Invitae), Labcorp
Classification: Uncertain significance. Last evaluated: 2024-01-26. Review status: criteria provided, single submitter. Criteria: Invitae Variant Classification Sherloc (09022015). Collection method: clinical testing. Allele origin: germline.
Comment: This sequence change replaces valine, which is neutral and non-polar, with methionine, which is neutral and non-polar, at codon 575 of the ABCC8 protein (p.Val575Met). This variant is present in population databases (rs149930713, gnomAD 0.0009%). This missense change has been observed in individual(s) with diabetes (PMID: 32027066). Advanced modeling of protein sequence and biophysical properties (such as structural, functional, and spatial information, amino acid conservation, physicochemical variation, residue mobility, and thermodynamic stability) has been performed at Invitae for this missense variant, however the output from this modeling did not meet the statistical confidence thresholds required to predict the impact of this variant on ABCC8 protein function. In summary, the available evidence is currently insufficient to determine the role of this variant in disease. Therefore, it has been classified as a Variant of Uncertain Significance.

Literature cited by the submitters: PubMed 32027066.

NM_000352.6(ABCC8):c.1723G>A (p.Val575Met)

Gene: ABCC8 (ATP binding cassette subfamily C member 8; minus strand). Cytogenetic location: 11p15.1.
Variant type: single nucleotide variant.
Coding change: c.1723G>A on transcript NM_000352.6 (MANE Select); coding-DNA position 1723, G replaced by A.
Protein change: p.Val575Met; replaces valine 575 with methionine.
Molecular consequence: missense variant. On other transcripts: non-coding transcript variant (1).
Genome position (GRCh38, 1-based): chr11:17,430,908, C>T on the plus strand (G>A on the coding strand, the complement: ABCC8 is on the minus strand). VCF-style: chr11-17430908-C-T. GRCh37 (hg19) VCF-style: chr11-17452455-C-T.
Other names: c.1723G>A, p.Val575Met (NM_001287174.3, NM_001351295.2); c.1720G>A, p.Val574Met (NM_001351296.2, NM_001351297.2); short protein forms V575M, V574M.
Identifiers: ClinVar variation 3016424 (VCV003016424.3), dbSNP rs149930713, ClinGen allele CA5903462.